The following is an entry in ClinVar:

NM_002691.4(POLD1):c.1703T>C (p.Leu568Pro)

Gene: POLD1 (DNA polymerase delta 1, catalytic subunit; plus strand). Cytogenetic location: 19q13.33.
Variant type: single nucleotide variant.
Coding change: c.1703T>C on transcript NM_002691.4 (MANE Select); coding-DNA position 1703, T replaced by C.
Protein change: p.Leu568Pro; replaces leucine 568 with proline.
Molecular consequence: missense variant. On other transcripts: non-coding transcript variant (1).
Genome position (GRCh38, 1-based): chr19:50,407,343, T>C. VCF-style: chr19-50407343-T-C. GRCh37 (hg19) VCF-style: chr19-50910600-T-C.
Other names: c.1703T>C, p.Leu568Pro (NM_001438212.1, NM_001438213.1, NM_001256849.1 and 3 more transcripts); short protein forms L568P.
Identifiers: ClinVar variation 5027004 (VCV005027004.1).

ClinVar aggregate classification (germline): Uncertain significance (1 of 4 stars; one submission).

Conditions:
Hereditary cancer-predisposing syndrome. Also called: Neoplastic Syndromes, Hereditary; Tumor predisposition; Hereditary neoplastic syndrome; Hereditary Cancer Syndrome. Identifiers: Orphanet 140162, MedGen C0027672, MeSH D009386, MONDO:0015356.

Submission:

Ambry Genetics
Classification: Uncertain significance for Hereditary cancer-predisposing syndrome. Last evaluated: 2026-08-15. Review status: criteria provided, single submitter. Criteria: Ambry Variant Classification Scheme 2023. Collection method: clinical testing. Allele origin: germline.
Comment: The p.L568P variant (also known as c.1703T>C), located in coding exon 13 of the POLD1 gene, results from a T to C substitution at nucleotide position 1703. The leucine at codon 568 is replaced by proline, an amino acid with similar properties. This amino acid position is conserved. In addition, the in silico prediction for this alteration is inconclusive. Based on the available evidence, the clinical significance of this variant remains unclear.